The following is an entry in ClinVar:

ClinVar aggregate classification (germline): Uncertain significance. Review status: criteria provided, multiple submitters, no conflicts (2 of 4 stars). 2 submissions from 2 submitters: Uncertain significance (2). Last evaluated 2023-09-21.

Conditions:
Hereditary cancer-predisposing syndrome. Also called: Tumor predisposition; Hereditary neoplastic syndrome; Hereditary Cancer Syndrome; Neoplastic Syndromes, Hereditary. Identifiers: Orphanet 140162, MedGen C0027672, MeSH D009386, MONDO:0015356.

Submissions (2):

Ambry Genetics
Classification: Uncertain significance for Hereditary cancer-predisposing syndrome. Last evaluated: 2023-09-21. Review status: criteria provided, single submitter. Criteria: Ambry Variant Classification Scheme 2023. Collection method: clinical testing. Allele origin: germline.
Comment: The p.L44V variant (also known as c.130C>G), located in coding exon 3 of the XRCC2 gene, results from a C to G substitution at nucleotide position 130. The leucine at codon 44 is replaced by valine, an amino acid with highly similar properties. This amino acid position is conserved. In addition, this alteration is predicted to be tolerated by in silico analysis. Since supporting evidence is limited at this time, the clinical significance of this alteration remains unclear.

Labcorp Genetics (formerly Invitae), Labcorp
Classification: Uncertain significance. Last evaluated: 2023-01-31. Review status: criteria provided, single submitter. Criteria: Invitae Variant Classification Sherloc (09022015). Collection method: clinical testing. Allele origin: germline.
Comment: In summary, the available evidence is currently insufficient to determine the role of this variant in disease. Therefore, it has been classified as a Variant of Uncertain Significance. Advanced modeling of protein sequence and biophysical properties (such as structural, functional, and spatial information, amino acid conservation, physicochemical variation, residue mobility, and thermodynamic stability) performed at Invitae indicates that this missense variant is not expected to disrupt XRCC2 protein function. This variant has not been reported in the literature in individuals affected with XRCC2-related conditions. This variant is not present in population databases (gnomAD no frequency). This sequence change replaces leucine, which is neutral and non-polar, with valine, which is neutral and non-polar, at codon 44 of the XRCC2 protein (p.Leu44Val).

NM_005431.2(XRCC2):c.130C>G (p.Leu44Val)

Gene: XRCC2 (X-ray repair cross complementing 2; minus strand). Cytogenetic location: 7q36.1.
Variant type: single nucleotide variant.
Coding change: c.130C>G on transcript NM_005431.2 (MANE Select); coding-DNA position 130, C replaced by G.
Protein change: p.Leu44Val; replaces leucine 44 with valine.
Molecular consequence: missense variant.
Genome position (GRCh38, 1-based): chr7:152,649,355, G>C on the plus strand (C>G on the coding strand, the complement: XRCC2 is on the minus strand). VCF-style: chr7-152649355-G-C. GRCh37 (hg19) VCF-style: chr7-152346440-G-C.
Other names: c.130C>G (NM_005431.1); short protein forms L44V.
Identifiers: ClinVar variation 2980924 (VCV002980924.4), dbSNP rs2485882194, ClinGen allele CA370199363.